The following is an entry in ClinVar:

ClinVar aggregate classification (germline): Uncertain significance (1 of 4 stars; one submission).

Conditions:
Lipodystrophy, partial, acquired, susceptibility to (APLD). Also called: APLD, SUSCEPTIBILITY TO. Identifiers: MedGen C3887501, MONDO:0100476, OMIM 608709.
Progressive myoclonic epilepsy type 9. Identifiers: Orphanet 457265, MedGen C4225289, MONDO:0014685, OMIM 616540.

Allele frequency attached by ClinVar (database versions not stated): gnomAD exomes 0.00002; gnomAD 0.00004 and 0.00003; ExAC 0.00002; TOPMed 0.00006.

Submission:

Labcorp Genetics (formerly Invitae), Labcorp
Classification: Uncertain significance for Progressive myoclonic epilepsy type 9; Lipodystrophy, partial, acquired, susceptibility to. Last evaluated: 2025-09-02. Review status: criteria provided, single submitter. Criteria: Invitae Variant Classification Sherloc (09022015). Collection method: clinical testing. Allele origin: germline.
Comment: This sequence change replaces alanine, which is neutral and non-polar, with valine, which is neutral and non-polar, at codon 567 of the LMNB2 protein (p.Ala567Val). The frequency data for this variant in the population databases is considered unreliable, as metrics indicate poor data quality at this position in the gnomAD database. This variant has not been reported in the literature in individuals affected with LMNB2-related conditions. ClinVar contains an entry for this variant (Variation ID: 1420413). Invitae Evidence Modeling of protein sequence and biophysical properties (such as structural, functional, and spatial information, amino acid conservation, physicochemical variation, residue mobility, and thermodynamic stability) indicates that this missense variant is not expected to disrupt LMNB2 protein function with a negative predictive value of 80%. In summary, the available evidence is currently insufficient to determine the role of this variant in disease. Therefore, it has been classified as a Variant of Uncertain Significance.

NM_032737.4(LMNB2):c.1700C>T (p.Ala567Val)

Gene: LMNB2 (lamin B2; minus strand). Cytogenetic location: 19p13.3.
Variant type: single nucleotide variant.
Coding change: c.1700C>T on transcript NM_032737.4 (MANE Select); coding-DNA position 1700, C replaced by T.
Protein change: p.Ala567Val; replaces alanine 567 with valine.
Molecular consequence: missense variant.
Genome position (GRCh38, 1-based): chr19:2,431,793, G>A on the plus strand (C>T on the coding strand, the complement: LMNB2 is on the minus strand). VCF-style: chr19-2431793-G-A. GRCh37 (hg19) VCF-style: chr19-2431791-G-A.
Other names: short protein forms A567V.
Identifiers: ClinVar variation 1420413 (VCV001420413.6), dbSNP rs774978600, ClinGen allele CA9067370.
Genomic context (GRCh38, chr19:2,431,793, plus strand): 5'-GACCCTGCCCAGGACTCCAGCCGAGCACCCCCCAAGCCACACACACCCACCTCGCCATCC[G>A]CGTTAACCAGGACGGTGCGGAAGCTCTCGCCCGTGCCCCAGCTGCTCTGGCCCTTCCACA-3'
Protein context (NP_116126.3, residues 557-577): GESFRTVLVN[Ala567Val]DGEEVAMRTV